The following is an entry in ClinVar:

NM_001008537.3(NEXMIF):c.3409C>T (p.Gln1137Ter)

Gene: NEXMIF (neurite extension and migration factor; minus strand). Cytogenetic location: Xq13.3.
Variant type: single nucleotide variant.
Coding change: c.3409C>T on transcript NM_001008537.3 (MANE Select); coding-DNA position 3409, C replaced by T.
Protein change: p.Gln1137Ter; replaces glutamine 1137 with a stop codon.
Molecular consequence: nonsense.
Genome position (GRCh38, 1-based): chrX:74,741,148, G>A on the plus strand (C>T on the coding strand, the complement: NEXMIF is on the minus strand). VCF-style: chrX-74741148-G-A. GRCh37 (hg19) VCF-style: chrX-73960983-G-A.
Other names: short protein forms Q1137*.
Identifiers: ClinVar variation 1299508 (VCV001299508.2), dbSNP rs2080101717, ClinGen allele CA413666015.
Genomic context (GRCh38, chrX:74,741,148, plus strand): 5'-ACAGGCAAGGGTTTTTTTGGAGCAGGCTGACAGAATCCTCATCATTGAACATATGGAACT[G>A]AAACTGGTGATTATTTAAAGTAAATCCATCCTCCATTTGGACCTGCCGTGAAAGGGTACT-3'

ClinVar aggregate classification (germline): Pathogenic. Review status: criteria provided, multiple submitters, no conflicts (2 of 4 stars). 2 submissions from 2 submitters: Pathogenic (2). Last evaluated 2022-09-01.

Conditions:
X-linked intellectual disability, Cantagrel type (XLID98). Also called: INTELLECTUAL DEVELOPMENTAL DISORDER, X-LINKED 98. Identifiers: Orphanet 85277, MedGen C3806730, MONDO:0010483, OMIM 300912.

Submissions (2):

3billion
Classification: Pathogenic for X-linked intellectual disability, Cantagrel type. Last evaluated: 2022-09-01. Review status: criteria provided, single submitter. Criteria: ACMG Guidelines, 2015. Collection method: clinical testing. Allele origin: germline. Affected: yes. Observed: 1 hemizygote.
Comment: The variant is not observed in the gnomAD v2.1.1 dataset. Stop-gained (nonsense) is predicted to result in a loss or disruption of normal protein function through nonsense-mediated decay (NMD) or protein truncation. Multiple pathogenic variants are reported downstream of the variant. The variant has been reported to be associated with NEXMIF-related disorder (ClinVar ID: VCV001299508). Therefore, this variant is classified as Pathogenic according to the recommendation of ACMG/AMP guideline.

Laboratory of Medical Genetics, National & Kapodistrian University of Athens
Classification: Pathogenic for X-linked intellectual disability, Cantagrel type. Last evaluated: 2021-10-01. Review status: criteria provided, single submitter. Criteria: ACMG Guidelines, 2015. Collection method: clinical testing. Allele origin: unknown. Affected: yes.
Comment: PVS1, PM2, PP3

Literature cited by the submitters: PubMed 34008892 (cited by Laboratory of Medical Genetics, National & Kapodistrian University of Athens).